The following is an entry in ClinVar:

ClinVar aggregate classification (germline): Conflicting classifications of pathogenicity. Review status: criteria provided, conflicting classifications (1 of 4 stars). 2 submissions from 2 submitters: Uncertain significance (1); Benign (1). Last evaluated 2025-06-17.

Conditions:
Adult-onset autosomal dominant demyelinating leukodystrophy. Identifiers: Orphanet 99027, MedGen C1868512, MONDO:0008215.
Inborn genetic diseases. Identifiers: MedGen C0950123, MeSH D030342.

Allele frequency attached by ClinVar (database versions not stated): TOPMed below 0.00001; gnomAD 0.00001; gnomAD exomes 0.00001; ExAC 0.00002.
gnomAD v4.1: 21 of 1,613,688 alleles (0.0013%); highest among the groups gnomAD compares: South Asian, 0.013%; no homozygotes.

Submissions (2):

Ambry Genetics
Classification: Uncertain significance for Inborn genetic diseases. Last evaluated: 2025-06-17. Review status: criteria provided, single submitter. Criteria: Ambry Variant Classification Scheme 2023. Collection method: clinical testing. Allele origin: germline.

Illumina Laboratory Services, Illumina
Classification: Benign for Leukodystrophy, demyelinating, adult-onset, autosomal dominant, typical. Last evaluated: 2018-01-13. Review status: criteria provided, single submitter. Criteria: ICSL Variant Classification Criteria 13 December 2019. Collection method: clinical testing. Allele origin: germline.
Comment: This variant was observed in the ICSL laboratory as part of a predisposition screen in an ostensibly healthy population. It had not been previously curated by ICSL or reported in the Human Gene Mutation Database (HGMD: prior to June 1st, 2018), and was therefore a candidate for classification through an automated scoring system. Utilizing variant allele frequency, disease prevalence and penetrance estimates, and inheritance mode, an automated score was calculated to assess if this variant is too frequent to cause the disease. Based on the score and internal cut-off values, a variant classified as benign is not then subjected to further curation. The score for this variant resulted in a classification of benign for this disease.

NM_005573.4(LMNB1):c.700C>T (p.Arg234Cys)

Gene: LMNB1 (lamin B1; plus strand). Cytogenetic location: 5q23.2.
Variant type: single nucleotide variant.
Coding change: c.700C>T on transcript NM_005573.4 (MANE Select); coding-DNA position 700, C replaced by T.
Protein change: p.Arg234Cys; replaces arginine 234 with cysteine.
Molecular consequence: missense variant. On other transcripts: non-coding transcript variant (1).
Genome position (GRCh38, 1-based): chr5:126,810,237, C>T. VCF-style: chr5-126810237-C-T. GRCh37 (hg19) VCF-style: chr5-126145929-C-T.
Other names: c.70C>T, p.Arg24Cys (NM_001198557.2); short protein forms R234C, R24C.
Identifiers: ClinVar variation 907306 (VCV000907306.5), dbSNP rs771251880, ClinGen allele CA3390535.